The following is an entry in ClinVar:

NM_001128228.3(TPRN):c.2024C>T (p.Ala675Val)

Gene: TPRN (taperin; minus strand). Cytogenetic location: 9q34.3.
Variant type: single nucleotide variant.
Coding change: c.2024C>T on transcript NM_001128228.3 (MANE Select); coding-DNA position 2024, C replaced by T.
Protein change: p.Ala675Val; replaces alanine 675 with valine.
Molecular consequence: missense variant.
Genome position (GRCh38, 1-based): chr9:137,192,308, G>A on the plus strand (C>T on the coding strand, the complement: TPRN is on the minus strand). VCF-style: chr9-137192308-G-A. GRCh37 (hg19) VCF-style: chr9-140086760-G-A.
Other names: short protein forms A675V.
Identifiers: ClinVar variation 1949015 (VCV001949015.3), dbSNP rs746314611, ClinGen allele CA5362551.

ClinVar aggregate classification (germline): Conflicting classifications of pathogenicity. Review status: criteria provided, conflicting classifications (1 of 4 stars). 2 submissions from 2 submitters: Uncertain significance (1); Likely benign (1). Last evaluated 2022-06-15.

Allele frequency attached by ClinVar (database versions not stated): ExAC 0.00002; gnomAD 0.00005.
gnomAD v4.1: 75 of 1,612,826 alleles (0.0047%); highest among the groups gnomAD compares: African/African-American, 0.0067%; no homozygotes.

Submissions (2):

Labcorp Genetics (formerly Invitae), Labcorp
Classification: Uncertain significance. Last evaluated: 2022-06-15. Review status: criteria provided, single submitter. Criteria: Invitae Variant Classification Sherloc (09022015). Collection method: clinical testing. Allele origin: germline.
Comment: This sequence change replaces alanine, which is neutral and non-polar, with valine, which is neutral and non-polar, at codon 675 of the TPRN protein (p.Ala675Val). This variant is present in population databases (rs746314611, gnomAD 0.004%). This variant has not been reported in the literature in individuals affected with TPRN-related conditions. Algorithms developed to predict the effect of missense changes on protein structure and function output the following: SIFT: "Tolerated"; PolyPhen-2: "Benign"; Align-GVGD: "Class C0". The valine amino acid residue is found in multiple mammalian species, which suggests that this missense change does not adversely affect protein function. In summary, the available evidence is currently insufficient to determine the role of this variant in disease. Therefore, it has been classified as a Variant of Uncertain Significance.

Blueprint Genetics
Classification: Likely benign. Last evaluated: 2017-08-24. Review status: criteria provided, single submitter. Criteria: ACMG Guidelines, 2015. Collection method: clinical testing. Allele origin: germline.